The following is an entry in ClinVar:

NM_012330.4(KAT6B):c.6196C>G (p.Leu2066Val)

Gene: KAT6B (lysine acetyltransferase 6B; plus strand). Cytogenetic location: 10q22.2.
Variant type: single nucleotide variant.
Coding change: c.6196C>G on transcript NM_012330.4 (MANE Select); coding-DNA position 6196, C replaced by G.
Protein change: p.Leu2066Val; replaces leucine 2066 with valine.
Molecular consequence: missense variant.
Genome position (GRCh38, 1-based): chr10:75,031,020, C>G. VCF-style: chr10-75031020-C-G. GRCh37 (hg19) VCF-style: chr10-76790778-C-G.
Other names: c.5647C>G, p.Leu1883Val (NM_001256468.2, NM_001370138.1); c.5320C>G, p.Leu1774Val (NM_001256469.2, NM_001370139.1, NM_001370140.1 and 2 more transcripts); c.5158C>G, p.Leu1720Val (NM_001370132.1); c.4507C>G, p.Leu1503Val (NM_001370133.1); c.4111C>G, p.Leu1371Val (NM_001370134.1); c.3853C>G, p.Leu1285Val (NM_001370135.1); c.6196C>G, p.Leu2066Val (NM_001370136.1, NM_001370137.1); c.5131C>G, p.Leu1711Val (NM_001370143.1, NM_001370144.1); short protein forms L1285V, L1503V, L1711V, L1720V, L2066V, L1371V, L1774V, L1883V.
Identifiers: ClinVar variation 1461542 (VCV001461542.6), dbSNP rs901914485, ClinGen allele CA209711551.
Genomic context (GRCh38, chr10:75,031,020, plus strand): 5'-ATGATGTACACGGCCCCCGGACATCACGGCTACATGAACACAGGCATGTCCAAACAGTCT[C>G]TCAATGGCTCCTACATGAGAAGGTAGACAACGTGGGCAGTCCACAAAACCTACGGGGCAT-3'
Protein context (NP_036462.2, residues 2056-2073): YMNTGMSKQS[Leu2066Val]NGSYMRR

ClinVar aggregate classification (germline): Uncertain significance (1 of 4 stars; one submission).

Conditions:
Genitopatellar syndrome (GTPTS). Also called: Genitopatellar syndrome (GPS); ABSENT PATELLAE, SCROTAL HYPOPLASIA, RENAL ANOMALIES, FACIAL DYSMORPHISM, AND MENTAL RETARDATION. Identifiers: Orphanet 85201, MedGen C1853566, MONDO:0011640, OMIM 606170.

Allele frequency attached by ClinVar (database versions not stated): gnomAD exomes below 0.00001 and 0.00001.
gnomAD v4.1: 8 of 1,614,180 alleles (0.0005%); highest among the groups gnomAD compares: Middle Eastern, 0.016%; no homozygotes.

Submission:

Labcorp Genetics (formerly Invitae), Labcorp
Classification: Uncertain significance for Genitopatellar syndrome. Last evaluated: 2022-12-06. Review status: criteria provided, single submitter. Criteria: Invitae Variant Classification Sherloc (09022015). Collection method: clinical testing. Allele origin: germline.
Comment: Algorithms developed to predict the effect of missense changes on protein structure and function are either unavailable or do not agree on the potential impact of this missense change (SIFT: "Deleterious"; PolyPhen-2: "Probably Damaging"; Align-GVGD: "Class C0"). ClinVar contains an entry for this variant (Variation ID: 1461542). This variant has not been reported in the literature in individuals affected with KAT6B-related conditions. This variant is present in population databases (no rsID available, gnomAD no frequency). This sequence change replaces leucine, which is neutral and non-polar, with valine, which is neutral and non-polar, at codon 2066 of the KAT6B protein (p.Leu2066Val). In summary, the available evidence is currently insufficient to determine the role of this variant in disease. Therefore, it has been classified as a Variant of Uncertain Significance.